The following is an entry in ClinVar:

ClinVar aggregate classification (germline): Likely benign (1 of 4 stars; one submission).

Allele frequency attached by ClinVar (database versions not stated): gnomAD exomes 0.00003; gnomAD 0.00004; ExAC 0.00005; TOPMed 0.00006; ESP Exome Variant Server 0.00028.
gnomAD v4.1: 41 of 1,210,603 alleles (0.0034%); highest among the groups gnomAD compares: Middle Eastern, 0.023%; no homozygotes.

Submission:

CeGaT Center for Human Genetics Tuebingen
Classification: Likely benign. Last evaluated: 2022-03-01. Review status: criteria provided, single submitter. Criteria: CeGaT Center For Human Genetics Tuebingen Variant Classification Criteria Version 2. Collection method: clinical testing. Allele origin: germline. Affected: yes. Observed: 1 variant allele.
Comment: FOXR2: BP4, BP7

NM_198451.4(FOXR2):c.762A>T (p.Pro254=)

Gene: FOXR2 (forkhead box R2; plus strand). Cytogenetic location: Xp11.21.
Variant type: single nucleotide variant.
Coding change: c.762A>T on transcript NM_198451.4 (MANE Select); coding-DNA position 762, A replaced by T.
Protein change: p.Pro254=; no amino-acid change (proline 254 retained).
Molecular consequence: synonymous variant.
Genome position (GRCh38, 1-based): chrX:55,624,473, A>T. VCF-style: chrX-55624473-A-T. GRCh37 (hg19) VCF-style: chrX-55650906-A-T.
Identifiers: ClinVar variation 2660701 (VCV002660701.24), dbSNP rs371034151, ClinGen allele CA10429526.
Genomic context (GRCh38, chrX:55,624,473, plus strand): 5'-TGGCTGGAAGAGCACCATTCATTACAACCTCTGCTTCCTGGACAGCTTTGAGAAGGTGCC[A>T]GACAGCCTTAAGGATGAAGATAATGCAAGACCTCGCTCTTGCCTTTGGAAGCTCACTAAG-3'
Protein context (NP_940853.1, residues 244-264): LCFLDSFEKV[Pro254=]DSLKDEDNAR